The following is an entry in ClinVar:

ClinVar aggregate classification (germline): Pathogenic. Review status: reviewed by expert panel (3 of 4 stars). 3 submissions from 3 submitters: Pathogenic (1). 2 of the submissions do not count toward it. Last evaluated 2016-10-18.

Conditions:
Hereditary cancer-predisposing syndrome. Also called: Hereditary Cancer Syndrome; Neoplastic Syndromes, Hereditary; Hereditary neoplastic syndrome; Tumor predisposition. Identifiers: Orphanet 140162, MedGen C0027672, MeSH D009386, MONDO:0015356.
Breast-ovarian cancer, familial, susceptibility to, 1 (BROVCA1). Also called: BRCA1 Hereditary Breast and Ovarian Cancer; OVARIAN CANCER, SUSCEPTIBILITY TO. Identifiers: Orphanet 145, MedGen C2676676, MONDO:0011450, OMIM 604370. Disease mechanism: loss of function.

Submissions (3):

Evidence-based Network for the Interpretation of Germline Mutant Alleles (ENIGMA)
Classification: Pathogenic for Breast-ovarian cancer, familial, susceptibility to, 1. Last evaluated: 2016-10-18. Review status: reviewed by expert panel. Criteria: ENIGMA BRCA1/2 Classification Criteria (2015). Collection method: curation. Allele origin: germline.
Comment: Variant allele predicted to encode a truncated non-functional protein.

Ambry Genetics
Classification: Pathogenic for Hereditary cancer-predisposing syndrome. Last evaluated: 2021-02-16. Review status: criteria provided, single submitter. Criteria: Ambry Variant Classification Scheme 2023. Collection method: clinical testing. Allele origin: germline. Not counted in ClinVar's aggregate classification.
Comment: The c.979delA pathogenic mutation, located in coding exon 9 of the BRCA1 gene, results from a deletion of one nucleotide at nucleotide position 979, causing a translational frameshift with a predicted alternate stop codon (p.T327Hfs*14). This alteration was identified in a large, worldwide study of BRCA1/2 mutation positive families (Rebbeck TR et al. Hum Mutat, 2018 05;39:593-620). In addition, this alteration is expected to result in loss of function by premature protein truncation or nonsense-mediated mRNA decay. As such, this alteration is interpreted as a disease-causing mutation.

Consortium of Investigators of Modifiers of BRCA1/2 (CIMBA), c/o University of Cambridge
Classification: Pathogenic for Breast-ovarian cancer, familial, susceptibility to, 1. Last evaluated: 2015-10-02. Review status: criteria provided, single submitter. Criteria: CIMBA Mutation Classification guidelines May 2016. Collection method: clinical testing. Allele origin: germline. Not counted in ClinVar's aggregate classification.

Literature cited by the submitters: PubMed 29263802 (cited by Ambry Genetics); PubMed 29446198 (cited by Ambry Genetics).

NM_007294.4(BRCA1):c.979del (p.Thr327fs)

Gene: BRCA1 (BRCA1 DNA repair associated; minus strand). Cytogenetic location: 17q21.31.
Variant type: Deletion.
Coding change: c.979del on transcript NM_007294.4 (MANE Select); coding-DNA position 979, one base deleted (A; older notation c.979delA).
Protein change: p.Thr327fs; shifts the reading frame from threonine 327.
Molecular consequence: frameshift variant. On other transcripts: intron variant (137).
Genome position (GRCh38, 1-based): chr17:43,094,552, T deleted on the plus strand (A on the coding strand, the reverse complement: BRCA1 is on the minus strand); the first of 3 consecutive T bases (chr17:43,094,552-43,094,554); deleting any one gives the same sequence. VCF-style (leftmost placement, unchanged base first): chr17-43094551-GT-G. GRCh37 (hg19) VCF-style: chr17-41246568-GT-G.
Other names: 1098delA; c.979delA (NM_007294.3); c.790+189del (NM_001408406.1); c.646+192del (NM_001408456.1, NM_001408410.1, NM_001408458.1 and 11 more transcripts); c.643+192del (NM_001408465.1, NM_001408463.1, NM_001408462.1 and 3 more transcripts); c.577+192del (NM_001408482.1, NM_001408484.1, NM_001408478.1 and 9 more transcripts); c.520+192del (NM_001408504.1, NM_001408503.1, NM_001408505.1); c.523+192del (NM_001408499.1, NM_001408498.1, NM_001408501.1 and 3 more transcripts); and 43 more; short protein forms T280fs, T327fs, T159fs, T199fs, T216fs, T260fs, T215fs, T300fs.
Identifiers: ClinVar variation 266599 (VCV000266599.8), dbSNP rs886040337, ClinGen allele CA10589975.